The following is an entry in ClinVar:

NM_004656.4(BAP1):c.1900G>A (p.Ala634Thr)

Gene: BAP1 (BRCA1 associated deubiquitinase 1; minus strand). Cytogenetic location: 3p21.1.
Variant type: single nucleotide variant.
Coding change: c.1900G>A on transcript NM_004656.4 (MANE Select); coding-DNA position 1900, G replaced by A.
Protein change: p.Ala634Thr; replaces alanine 634 with threonine.
Molecular consequence: missense variant.
Genome position (GRCh38, 1-based): chr3:52,402,862, C>T on the plus strand (G>A on the coding strand, the complement: BAP1 is on the minus strand). VCF-style: chr3-52402862-C-T. GRCh37 (hg19) VCF-style: chr3-52436878-C-T.
Other names: c.1900G>A (NM_004656.2); short protein forms A634T.
Identifiers: ClinVar variation 919893 (VCV000919893.7), dbSNP rs1705011344, ClinGen allele CA353096952.

ClinVar aggregate classification (germline): Uncertain significance. Review status: criteria provided, multiple submitters, no conflicts (2 of 4 stars). 3 submissions from 3 submitters: Uncertain significance (3). Last evaluated 2024-05-08.

Conditions:
Hereditary cancer-predisposing syndrome. Also called: Neoplastic Syndromes, Hereditary; Tumor predisposition; Hereditary Cancer Syndrome; Hereditary neoplastic syndrome. Identifiers: Orphanet 140162, MedGen C0027672, MeSH D009386, MONDO:0015356.
BAP1-related tumor predisposition syndrome (TPDS1). Also called: Tumor susceptibility linked to germline BAP1 mutations; COMMON Syndrome; TUMOR PREDISPOSITION SYNDROME 1; BAP1 tumor predisposition syndrome. Identifiers: Orphanet 289539, MedGen C3280492, MONDO:0013692, OMIM 614327.

Submissions (3):

Labcorp Genetics (formerly Invitae), Labcorp
Classification: Uncertain significance for BAP1-related tumor predisposition syndrome. Last evaluated: 2024-05-08. Review status: criteria provided, single submitter. Criteria: Invitae Variant Classification Sherloc (09022015). Collection method: clinical testing. Allele origin: germline.
Comment: This sequence change replaces alanine, which is neutral and non-polar, with threonine, which is neutral and polar, at codon 634 of the BAP1 protein (p.Ala634Thr). This variant is not present in population databases (gnomAD no frequency). This variant has not been reported in the literature in individuals affected with BAP1-related conditions. ClinVar contains an entry for this variant (Variation ID: 919893). Advanced modeling of protein sequence and biophysical properties (such as structural, functional, and spatial information, amino acid conservation, physicochemical variation, residue mobility, and thermodynamic stability) performed at Invitae indicates that this missense variant is not expected to disrupt BAP1 protein function with a negative predictive value of 80%. In summary, the available evidence is currently insufficient to determine the role of this variant in disease. Therefore, it has been classified as a Variant of Uncertain Significance.

Ambry Genetics
Classification: Uncertain significance for Hereditary cancer-predisposing syndrome. Last evaluated: 2023-09-07. Review status: criteria provided, single submitter. Criteria: Ambry Variant Classification Scheme 2023. Collection method: clinical testing. Allele origin: germline.
Comment: The p.A634T variant (also known as c.1900G>A), located in coding exon 15 of the BAP1 gene, results from a G to A substitution at nucleotide position 1900. The alanine at codon 634 is replaced by threonine, an amino acid with similar properties. This amino acid position is conserved. In addition, this alteration is predicted to be tolerated by in silico analysis. Since supporting evidence is limited at this time, the clinical significance of this alteration remains unclear.

Color Diagnostics, LLC DBA Color Health
Classification: Uncertain significance for Hereditary cancer-predisposing syndrome. Last evaluated: 2020-03-24. Review status: criteria provided, single submitter. Criteria: ACMG Guidelines, 2015. Collection method: clinical testing. Allele origin: germline.
Comment: This missense variant replaces alanine with threonine at codon 634 of the BAP1 protein. Computational prediction suggests that this variant may not impact protein structure and function (internally defined REVEL score threshold <= 0.5, PMID: 27666373). Splice site prediction tools suggest that this variant may not impact RNA splicing. To our knowledge, functional studies have not been reported for this variant. This variant has not been reported in individuals affected with hereditary cancer in the literature. This variant has not been identified in the general population by the Genome Aggregation Database (gnomAD). The available evidence is insufficient to determine the role of this variant in disease conclusively. Therefore, this variant is classified as a Variant of Uncertain Significance.